The following is an entry in ClinVar:

ClinVar aggregate classification (germline): Conflicting classifications of pathogenicity. Review status: criteria provided, conflicting classifications (1 of 4 stars). 2 submissions from 2 submitters: Uncertain significance (1); Benign (1). Last evaluated 2025-08-11.

gnomAD v4.1: 8 of 1,614,236 alleles (0.0005%); highest among the groups gnomAD compares: African/African-American, 0.0067%; no homozygotes.

Submissions (2):

GeneDx
Classification: Uncertain significance. Last evaluated: 2025-08-11. Review status: criteria provided, single submitter. Criteria: GeneDx Variant Classification Process June 2021. Collection method: clinical testing. Allele origin: germline. Affected: yes.
Comment: In silico analysis supports that this missense variant has a deleterious effect on protein structure/function; Has not been previously published as pathogenic or benign to our knowledge

Labcorp Genetics (formerly Invitae), Labcorp
Classification: Benign. Last evaluated: 2024-03-12. Review status: criteria provided, single submitter. Criteria: Invitae Variant Classification Sherloc (09022015). Collection method: clinical testing. Allele origin: germline.

NM_002473.6(MYH9):c.53A>G (p.Asn18Ser)

Gene: MYH9 (myosin heavy chain 9; minus strand). Cytogenetic location: 22q12.3.
Variant type: single nucleotide variant.
Coding change: c.53A>G on transcript NM_002473.6 (MANE Select); coding-DNA position 53, A replaced by G.
Protein change: p.Asn18Ser; replaces asparagine 18 with serine.
Molecular consequence: missense variant.
Genome position (GRCh38, 1-based): chr22:36,349,184, T>C on the plus strand (A>G on the coding strand, the complement: MYH9 is on the minus strand). VCF-style: chr22-36349184-T-C. GRCh37 (hg19) VCF-style: chr22-36745229-T-C.
Other names: c.53A>G (NM_002473.4); short protein forms N18S.
Identifiers: ClinVar variation 3605982 (VCV003605982.2).
Genomic context (GRCh38, chr22:36,349,184, plus strand): 5'-TTGTCGGAAGGCACCCATACCAGCTTCTTGGCAGCCCAGTCGGCCTGGGCCAGCGGATTG[T>C]TGATGAAGTTTTTATCCACATAGAGATACTTATCGGCAGCTTGCTGTGCCATGGTGACTT-3'
Protein context (NP_002464.1, residues 8-28): KYLYVDKNFI[Asn18Ser]NPLAQADWAA